The following is an entry in ClinVar:

ClinVar aggregate classification (germline): Uncertain significance (1 of 4 stars; one submission).

Conditions:
Hereditary cancer-predisposing syndrome. Also called: Hereditary Cancer Syndrome; Hereditary neoplastic syndrome; Neoplastic Syndromes, Hereditary; Tumor predisposition. Identifiers: Orphanet 140162, MedGen C0027672, MeSH D009386, MONDO:0015356.

Submission:

Ambry Genetics
Classification: Uncertain significance for Hereditary cancer-predisposing syndrome. Last evaluated: 2025-04-02. Review status: criteria provided, single submitter. Criteria: Ambry Variant Classification Scheme 2023. Collection method: clinical testing. Allele origin: germline.
Comment: The p.D9E variant (also known as c.27T>A), located in coding exon 2 of the MRE11A gene, results from a T to A substitution at nucleotide position 27. The aspartic acid at codon 9 is replaced by glutamic acid, an amino acid with highly similar properties. This amino acid position is conserved. In addition, this alteration is predicted to be tolerated by in silico analysis. Based on the available evidence, the clinical significance of this variant remains unclear.

NM_005591.4(MRE11):c.27T>A (p.Asp9Glu)

Gene: MRE11 (MRE11 double strand break repair nuclease; minus strand). Cytogenetic location: 11q21.
Variant type: single nucleotide variant.
Coding change: c.27T>A on transcript NM_005591.4 (MANE Select); coding-DNA position 27, T replaced by A.
Protein change: p.Asp9Glu; replaces aspartic acid 9 with glutamic acid.
Molecular consequence: missense variant.
Genome position (GRCh38, 1-based): chr11:94,490,959, A>T on the plus strand (T>A on the coding strand, the complement: MRE11 is on the minus strand). VCF-style: chr11-94490959-A-T. GRCh37 (hg19) VCF-style: chr11-94224125-A-T.
Other names: c.27T>A, p.Asp9Glu (NM_001330347.2, NM_005590.4); short protein forms D9E.
Identifiers: ClinVar variation 3912869 (VCV003912869.1).
Genomic context (GRCh38, chr11:94,490,959, plus strand): 5'-ATCTTTCTCCATAAATCCAAGATGAATATCTGTTGCAACTAATATTTTAAATGTGTTTTC[A>T]TCATCACTATATTAAGAAAGAAGAAACATTTCAATATATTAATAATTCATTAAAGGATAT-3'
Protein context (NP_005582.1, residues 1-19): MSTADALD[Asp9Glu]ENTFKILVAT